The following is an entry in ClinVar:

NM_000868.4(HTR2C):c.178A>G (p.Ile60Val)

Gene: HTR2C (5-hydroxytryptamine receptor 2C; plus strand). Cytogenetic location: Xq23.
Variant type: single nucleotide variant.
Coding change: c.178A>G on transcript NM_000868.4 (MANE Select); coding-DNA position 178, A replaced by G.
Protein change: p.Ile60Val; replaces isoleucine 60 with valine.
Molecular consequence: missense variant.
Genome position (GRCh38, 1-based): chrX:114,731,436, A>G. VCF-style: chrX-114731436-A-G. GRCh37 (hg19) VCF-style: chrX-113965845-A-G.
Other names: c.178A>G, p.Ile60Val (NM_001256760.3, NM_001256761.3); short protein forms I60V.
Identifiers: ClinVar variation 3036286 (VCV003036286.3), dbSNP rs1173878618, ClinGen allele CA414318091.

ClinVar aggregate classification (germline): Uncertain significance (1 of 4 stars; one submission).

Conditions:
HTR2C-related disorder. Also called: HTR2C-related condition.

Allele frequency attached by ClinVar (database versions not stated): gnomAD 0.00001; TOPMed 0.00001.

Submission:

PreventionGenetics, part of Exact Sciences
Classification: Uncertain significance for HTR2C-related condition. Last evaluated: 2025-03-04. Review status: criteria provided, single submitter. Criteria: ACMG Guidelines, 2015. Collection method: clinical testing. Allele origin: germline.
Comment: The HTR2C c.178A>G variant is predicted to result in the amino acid substitution p.Ile60Val. To our knowledge, this variant has not been reported in the literature or in a large population database, indicating this variant is rare. At this time, the clinical significance of this variant is uncertain due to the absence of conclusive functional and genetic evidence.